The following is an entry in ClinVar:

NM_000129.4(F13A1):c.930C>T (p.Val310=)

Gene: F13A1 (coagulation factor XIII A chain; minus strand). Cytogenetic location: 6p25.1.
Variant type: single nucleotide variant.
Coding change: c.930C>T on transcript NM_000129.4 (MANE Select); coding-DNA position 930, C replaced by T.
Protein change: p.Val310=; no amino-acid change (valine 310 retained).
Molecular consequence: synonymous variant.
Genome position (GRCh38, 1-based): chr6:6,224,729, G>A on the plus strand (C>T on the coding strand, the complement: F13A1 is on the minus strand). VCF-style: chr6-6224729-G-A. GRCh37 (hg19) VCF-style: chr6-6224962-G-A.
Identifiers: ClinVar variation 3388784 (VCV003388784.14).

ClinVar aggregate classification (germline): Likely benign (1 of 4 stars; one submission).

gnomAD v4.1: 18 of 1,613,988 alleles (0.0011%); highest among the groups gnomAD compares: Non-Finnish European, 0.0015%; no homozygotes.

Submission:

CeGaT Center for Human Genetics Tuebingen
Classification: Likely benign. Last evaluated: 2024-09-01. Review status: criteria provided, single submitter. Criteria: CeGaT Center For Human Genetics Tuebingen Variant Classification Criteria Version 2. Collection method: clinical testing. Allele origin: germline. Affected: yes. Observed: 1 variant allele.
Comment: F13A1: BP4, BP7